The following is an entry in ClinVar:

ClinVar aggregate classification (germline): Conflicting classifications of pathogenicity. Review status: criteria provided, conflicting classifications (1 of 4 stars). 5 submissions from 5 submitters: Uncertain significance (1); Benign (1); Likely benign (2). 1 of the submissions does not count toward it. Last evaluated 2025-09-22.

Conditions:
Inborn genetic diseases. Identifiers: MedGen C0950123, MeSH D030342.
Fanconi anemia (FA). Also called: Fanconi's anemia. Identifiers: Orphanet 84, MedGen C0015625, MeSH D005199, MONDO:0019391.
Fanconi anemia complementation group B (FANCB). Also called: FANCONI PANCYTOPENIA, TYPE 2; FANCB-Related Fanconi Anemia. Identifiers: Orphanet 84, MedGen C1845292, MONDO:0010351, OMIM 300514.
VACTERL association, X-linked, with or without hydrocephalus (VACTERLX). Also called: VACTERL-H, X-LINKED; VACTERL Association with Hydrocephalus, X-linked; X-linked VACTERL-H syndrome; VACTERL ASSOCIATION, X-LINKED. Identifiers: Orphanet 3412, MedGen C2931228, MONDO:0010752, OMIM 314390.
FANCB-related disorder. Also called: FANCB-related condition.

Allele frequency attached by ClinVar (database versions not stated): gnomAD exomes 0.00004 and 0.00013; ExAC 0.00020; gnomAD 0.00039 and 0.00046; 1000 Genomes Project 30x 0.00042; 1000 Genomes Project 0.00053; TOPMed 0.00060; ESP Exome Variant Server 0.00076.
gnomAD v4.1: 93 of 1,188,136 alleles (0.0078%); highest among the groups gnomAD compares: African/African-American, 0.12%; no homozygotes.

Submissions (5):

Labcorp Genetics (formerly Invitae), Labcorp
Classification: Benign for Fanconi anemia. Last evaluated: 2025-09-22. Review status: criteria provided, single submitter. Criteria: Invitae Variant Classification Sherloc (09022015). Collection method: clinical testing. Allele origin: germline.

Ambry Genetics
Classification: Uncertain significance for Inborn genetic diseases. Last evaluated: 2022-06-24. Review status: criteria provided, single submitter. Criteria: Ambry Variant Classification Scheme 2023. Collection method: clinical testing. Allele origin: germline.

Fulgent Genetics
Classification: Likely benign for Fanconi anemia complementation group B; VACTERL association, X-linked, with or without hydrocephalus. Last evaluated: 2021-07-23. Review status: criteria provided, single submitter. Criteria: ACMG Guidelines, 2015. Collection method: clinical testing. Allele origin: unknown.

Sema4
Classification: Likely benign for Fanconi anemia. Last evaluated: 2020-11-06. Review status: criteria provided, single submitter. Criteria: Sema4 Curation Guidelines. Collection method: curation. Allele origin: germline.

PreventionGenetics, part of Exact Sciences
Classification: Likely benign for FANCB-related condition. Last evaluated: 2022-07-07. Review status: no assertion criteria provided. Collection method: clinical testing. Allele origin: germline. Not counted in ClinVar's aggregate classification.
Comment: This variant is classified as likely benign based on ACMG/AMP sequence variant interpretation guidelines (Richards et al. 2015 PMID: 25741868, with internal and published modifications).

NM_001018113.3(FANCB):c.1067C>T (p.Ser356Leu)

Gene: FANCB (FA complementation group B; minus strand). Cytogenetic location: Xp22.2.
Variant type: single nucleotide variant.
Coding change: c.1067C>T on transcript NM_001018113.3 (MANE Select); coding-DNA position 1067, C replaced by T.
Protein change: p.Ser356Leu; replaces serine 356 with leucine.
Molecular consequence: missense variant.
Genome position (GRCh38, 1-based): chrX:14,859,219, G>A on the plus strand (C>T on the coding strand, the complement: FANCB is on the minus strand). VCF-style: chrX-14859219-G-A. GRCh37 (hg19) VCF-style: chrX-14877341-G-A.
Other names: c.1067C>T, p.Ser356Leu (NM_001324162.2, NM_152633.4); short protein forms S356L.
Identifiers: ClinVar variation 700578 (VCV000700578.16), dbSNP rs142304943, ClinGen allele CA10353136.